The following is an entry in ClinVar:

NM_000138.5(FBN1):c.4508T>C (p.Val1503Ala)

Gene: FBN1 (fibrillin 1; minus strand). Cytogenetic location: 15q21.1.
Variant type: single nucleotide variant.
Coding change: c.4508T>C on transcript NM_000138.5 (MANE Select); coding-DNA position 4508, T replaced by C.
Protein change: p.Val1503Ala; replaces valine 1503 with alanine.
Molecular consequence: missense variant.
Genome position (GRCh38, 1-based): chr15:48,468,486, A>G on the plus strand (T>C on the coding strand, the complement: FBN1 is on the minus strand). VCF-style: chr15-48468486-A-G. GRCh37 (hg19) VCF-style: chr15-48760683-A-G.
Other names: c.4508T>C, p.Val1503Ala (NM_001406716.1); short protein forms V1503A.
Identifiers: ClinVar variation 3386795 (VCV003386795.2).
Genomic context (GRCh38, chr15:48,468,486, plus strand): 5'-CGAGTTGGGTTCAGTTCAAAATCAGGTGGGCAGTCACAGATATAGCTGCCTGGAGTGTTG[A>G]CACAGTTCCCACTGATGCACGTGGTTGGATCCAGGCATTCATTCACATCTAAAACCGAAC-3'
Protein context (NP_000129.3, residues 1493-1513): DPTTCISGNC[Val1503Ala]NTPGSYICDC

ClinVar aggregate classification (germline): Uncertain significance. Review status: criteria provided, multiple submitters, no conflicts (2 of 4 stars). 2 submissions from 2 submitters: Uncertain significance (2). Last evaluated 2025-06-08.

Conditions:
Marfan syndrome (MFS). Also called: MARFAN SYNDROME, TYPE I; Marfan syndrome type 1; Marfan's syndrome; FBN1-Related Marfan Syndrome; Marfan syndrome, classic. Identifiers: Orphanet 284963, Orphanet 558, MedGen C0024796, MONDO:0007947, OMIM 154700.
Familial thoracic aortic aneurysm and aortic dissection (TAAD). Also called: Thoracic aortic aneurysms and dissections. Identifiers: Orphanet 91387, MedGen C4707243, MONDO:0019625.

gnomAD v4.1: 3 of 1,614,152 alleles (0.00019%); highest among the groups gnomAD compares: Non-Finnish European, 0.00025%; no homozygotes.

Submissions (2):

Labcorp Genetics (formerly Invitae), Labcorp
Classification: Uncertain significance for Marfan syndrome; Familial thoracic aortic aneurysm and aortic dissection. Last evaluated: 2025-06-08. Review status: criteria provided, single submitter. Criteria: Invitae Variant Classification Sherloc (09022015). Collection method: clinical testing. Allele origin: germline.
Comment: This sequence change replaces valine, which is neutral and non-polar, with alanine, which is neutral and non-polar, at codon 1503 of the FBN1 protein (p.Val1503Ala). This variant is not present in population databases (gnomAD no frequency). This variant has not been reported in the literature in individuals affected with FBN1-related conditions. ClinVar contains an entry for this variant (Variation ID: 3386795). Invitae Evidence Modeling of protein sequence and biophysical properties (such as structural, functional, and spatial information, amino acid conservation, physicochemical variation, residue mobility, and thermodynamic stability) has been performed for this missense variant. However, the output from this modeling did not meet the statistical confidence thresholds required to predict the impact of this variant on FBN1 protein function. In summary, the available evidence is currently insufficient to determine the role of this variant in disease. Therefore, it has been classified as a Variant of Uncertain Significance.

All of Us Research Program, National Institutes of Health
Classification: Uncertain significance for Marfan syndrome. Last evaluated: 2024-05-30. Review status: criteria provided, single submitter. Criteria: ACMG Guidelines, 2015. Collection method: clinical testing. Allele origin: germline. Inheritance: Autosomal dominant inheritance. Observed: 1 variant allele, 1 heterozygote.
Comment: This missense variant replaces valine with alanine at codon 1503 of the FBN1 protein. Computational prediction suggests that this variant may not impact protein structure and function (internally defined REVEL score threshold <= 0.5, PMID: 27666373). To our knowledge, functional studies have not been reported for this variant. This variant has not been reported in individuals affected with FBN1-related disorders in the literature. This variant has not been identified in the general population by the Genome Aggregation Database (gnomAD). The available evidence is insufficient to determine the role of this variant in disease conclusively. Therefore, this variant is classified as a Variant of Uncertain Significance.

This study involves interpretation of variants in research participants for the purpose of population health screening. Participant phenotype was not available at the time of variant classification. Additional details can be found in publication PMID: 35346344, PMCID: PMC8962531